The following is an entry in ClinVar:

ClinVar aggregate classification (germline): Uncertain significance. Review status: criteria provided, multiple submitters, no conflicts (2 of 4 stars). 3 submissions from 3 submitters: Uncertain significance (3). Last evaluated 2026-01-14.

Conditions:
Mendelian susceptibility to mycobacterial diseases due to complete IL12RB1 deficiency. Also called: Immunodeficiency 30; IL12RB1 DEFICIENCY. Identifiers: Orphanet 319552, MedGen C4013949, MONDO:0013955, OMIM 614891.
Inborn genetic diseases. Identifiers: MedGen C0950123, MeSH D030342.

Allele frequency attached by ClinVar (database versions not stated): ExAC 0.00002; gnomAD exomes 0.00002; gnomAD 0.00004; TOPMed 0.00006.
gnomAD v4.1: 35 of 1,594,918 alleles (0.0022%); highest among the groups gnomAD compares: Middle Eastern, 0.033%; no homozygotes.

Submissions (3):

Labcorp Genetics (formerly Invitae), Labcorp
Classification: Uncertain significance for Mendelian susceptibility to mycobacterial diseases due to complete IL12RB1 deficiency. Last evaluated: 2026-01-14. Review status: criteria provided, single submitter. Criteria: Invitae Variant Classification Sherloc (09022015). Collection method: clinical testing. Allele origin: germline.
Comment: This sequence change replaces proline, which is neutral and non-polar, with leucine, which is neutral and non-polar, at codon 580 of the IL12RB1 protein (p.Pro580Leu). The frequency data for this variant in the population databases is considered unreliable, as metrics indicate poor data quality at this position in the gnomAD database. This variant has not been reported in the literature in individuals affected with IL12RB1-related conditions. ClinVar contains an entry for this variant (Variation ID: 838222). Invitae Evidence Modeling of protein sequence and biophysical properties (such as structural, functional, and spatial information, amino acid conservation, physicochemical variation, residue mobility, and thermodynamic stability) indicates that this missense variant is not expected to disrupt IL12RB1 protein function with a negative predictive value of 80%. In summary, the available evidence is currently insufficient to determine the role of this variant in disease. Therefore, it has been classified as a Variant of Uncertain Significance.

Ambry Genetics
Classification: Uncertain significance for Inborn genetic diseases. Last evaluated: 2025-11-05. Review status: criteria provided, single submitter. Criteria: Ambry Variant Classification Scheme 2023. Collection method: clinical testing. Allele origin: germline.

Blueprint Genetics
Classification: Uncertain significance. Last evaluated: 2024-08-13. Review status: criteria provided, single submitter. Criteria: ACMG Guidelines, 2015. Collection method: clinical testing. Allele origin: germline.

NM_005535.3(IL12RB1):c.1739C>T (p.Pro580Leu)

Gene: IL12RB1 (interleukin 12 receptor subunit beta 1; minus strand). Cytogenetic location: 19p13.11.
Variant type: single nucleotide variant.
Coding change: c.1739C>T on transcript NM_005535.3 (MANE Select); coding-DNA position 1739, C replaced by T.
Protein change: p.Pro580Leu; replaces proline 580 with leucine.
Molecular consequence: missense variant.
Genome position (GRCh38, 1-based): chr19:18,061,174, G>A on the plus strand (C>T on the coding strand, the complement: IL12RB1 is on the minus strand). VCF-style: chr19-18061174-G-A. GRCh37 (hg19) VCF-style: chr19-18171984-G-A.
Other names: c.1739C>T, p.Pro580Leu (NM_001290023.2); c.1859C>T, p.Pro620Leu (NM_001290024.2); short protein forms P620L, P580L.
Identifiers: ClinVar variation 838222 (VCV000838222.11), dbSNP rs763499409, ClinGen allele CA9304703.